The following is an entry in ClinVar:

ClinVar aggregate classification (germline): Uncertain significance (1 of 4 stars; one submission).

Conditions:
Regional enteritis. Also called: Enteritis, Granulomatous. Identifiers: MedGen C0678202, MeSH D003424.
Blau syndrome (BLAUS). Also called: GRANULOMATOSIS, FAMILIAL JUVENILE SYSTEMIC; GRANULOMATOSIS, FAMILIAL, BLAU TYPE; GRANULOMATOUS INFLAMMATORY ARTHRITIS, DERMATITIS, AND UVEITIS, FAMILIAL; JABS SYNDROME; ARTHROCUTANEOUVEAL GRANULOMATOSIS. Identifiers: Orphanet 90340, MedGen C5201146, MONDO:0008523, OMIM 186580.

Allele frequency attached by ClinVar (database versions not stated): ExAC 0.00002; gnomAD 0.00003; ESP Exome Variant Server 0.00008.
gnomAD v4.1: 55 of 1,611,956 alleles (0.0034%); highest among the groups gnomAD compares: Non-Finnish European, 0.0043%; no homozygotes.

Submission:

Labcorp Genetics (formerly Invitae), Labcorp
Classification: Uncertain significance for Regional enteritis; Blau syndrome. Last evaluated: 2025-10-21. Review status: criteria provided, single submitter. Criteria: Invitae Variant Classification Sherloc (09022015). Collection method: clinical testing. Allele origin: germline.
Comment: This sequence change replaces isoleucine, which is neutral and non-polar, with threonine, which is neutral and polar, at codon 649 of the NOD2 protein (p.Ile649Thr). This variant is present in population databases (rs367637762, gnomAD 0.004%). This variant has not been reported in the literature in individuals affected with NOD2-related conditions. ClinVar contains an entry for this variant (Variation ID: 1366711). Invitae Evidence Modeling of protein sequence and biophysical properties (such as structural, functional, and spatial information, amino acid conservation, physicochemical variation, residue mobility, and thermodynamic stability) indicates that this missense variant is not expected to disrupt NOD2 protein function with a negative predictive value of 95%. In summary, the available evidence is currently insufficient to determine the role of this variant in disease. Therefore, it has been classified as a Variant of Uncertain Significance.

NM_001370466.1(NOD2):c.1865T>C (p.Ile622Thr)

Gene: NOD2 (nucleotide binding oligomerization domain containing 2; plus strand). Cytogenetic location: 16q12.1.
Variant type: single nucleotide variant.
Coding change: c.1865T>C on transcript NM_001370466.1 (MANE Select); coding-DNA position 1865, T replaced by C.
Protein change: p.Ile622Thr; replaces isoleucine 622 with threonine.
Molecular consequence: missense variant. On other transcripts: non-coding transcript variant (1).
Genome position (GRCh38, 1-based): chr16:50,711,857, T>C. VCF-style: chr16-50711857-T-C. GRCh37 (hg19) VCF-style: chr16-50745768-T-C.
Other names: c.1865T>C, p.Ile622Thr (NM_001293557.2); c.1946T>C, p.Ile649Thr (NM_022162.3); short protein forms I649T, I622T.
Identifiers: ClinVar variation 1366711 (VCV001366711.8), dbSNP rs367637762, ClinGen allele CA8051653.